The following is an entry in ClinVar:

NM_014049.5(ACAD9):c.1485+2T>G

Gene: ACAD9 (acyl-CoA dehydrogenase family member 9; plus strand). Cytogenetic location: 3q21.3.
Variant type: single nucleotide variant.
Coding change: c.1485+2T>G on transcript NM_014049.5 (MANE Select); the canonical splice donor site of the intron after coding-DNA position 1485, T replaced by G.
Molecular consequence: splice donor variant.
Genome position (GRCh38, 1-based): chr3:128,909,101, T>G. VCF-style: chr3-128909101-T-G. GRCh37 (hg19) VCF-style: chr3-128627944-T-G.
Other names: c.1116+2T>G (NM_001410805.1).
Identifiers: ClinVar variation 4815585 (VCV004815585.2).

ClinVar aggregate classification (germline): Likely pathogenic (1 of 4 stars; one submission).

Conditions:
Acyl-CoA dehydrogenase 9 deficiency. Also called: Acyl-CoA dehydrogenase family, member 9, deficiency of; MITOCHONDRIAL COMPLEX I DEFICIENCY, NUCLEAR TYPE 20. Identifiers: Orphanet 99901, MedGen C4747517, MONDO:0012624, OMIM 611126.

gnomAD v4.1: 1 of 1,613,914 alleles (0.000062%); highest among the groups gnomAD compares: Non-Finnish European, 0.000085%; no homozygotes.

Submission:

Natera, Inc.
Classification: Likely pathogenic for ACAD9 deficiency. Last evaluated: 2025-10-20. Review status: criteria provided, single submitter. Criteria: Natera Variant Classification Schema (03/2026). Collection method: clinical testing. Allele origin: germline.
Comment: The c.1485+2T>G variant in ACAD9 is a canonical splice donor site variant predicted to affect pre-mRNA splicing, which may result in an abnormal transcript and altered protein product. This variant is expected to result in nonsense mediated decay, truncation, or a dysfunctional protein product. This variant is rare in the general population with a frequency below the threshold expected for the associated phenotype(s). Given the available evidence, this variant is classified as Likely Pathogenic.